The following is an entry in ClinVar:

ClinVar aggregate classification (germline): Uncertain significance (1 of 4 stars; one submission).

Conditions:
Charcot-Marie-Tooth disease axonal type 2C (HMSN2C). Also called: CHARCOT-MARIE-TOOTH DISEASE, AXONAL, AUTOSOMAL DOMINANT, TYPE 2C; Charcot-Marie-Tooth Neuropathy Type 2C; Charcot-Marie-Tooth Disease Type 2, TRPV4-Related (CMT2C). Identifiers: Orphanet 99937, MedGen C1853710, MONDO:0011633, OMIM 606071.

Submission:

Labcorp Genetics (formerly Invitae), Labcorp
Classification: Uncertain significance for Charcot-Marie-Tooth disease axonal type 2C. Last evaluated: 2022-07-11. Review status: criteria provided, single submitter. Criteria: Invitae Variant Classification Sherloc (09022015). Collection method: clinical testing. Allele origin: germline.
Comment: This sequence change replaces proline, which is neutral and non-polar, with leucine, which is neutral and non-polar, at codon 171 of the TRPV4 protein (p.Pro171Leu). This variant is not present in population databases (gnomAD no frequency). This variant has not been reported in the literature in individuals affected with TRPV4-related conditions. Advanced modeling of protein sequence and biophysical properties (such as structural, functional, and spatial information, amino acid conservation, physicochemical variation, residue mobility, and thermodynamic stability) performed at Invitae indicates that this missense variant is not expected to disrupt TRPV4 protein function. In summary, the available evidence is currently insufficient to determine the role of this variant in disease. Therefore, it has been classified as a Variant of Uncertain Significance.

NM_021625.5(TRPV4):c.512C>T (p.Pro171Leu)

Gene: TRPV4 (transient receptor potential cation channel subfamily V member 4; minus strand). Cytogenetic location: 12q24.11.
Variant type: single nucleotide variant.
Coding change: c.512C>T on transcript NM_021625.5 (MANE Select); coding-DNA position 512, C replaced by T.
Protein change: p.Pro171Leu; replaces proline 171 with leucine.
Molecular consequence: missense variant.
Genome position (GRCh38, 1-based): chr12:109,808,343, G>A on the plus strand (C>T on the coding strand, the complement: TRPV4 is on the minus strand). VCF-style: chr12-109808343-G-A. GRCh37 (hg19) VCF-style: chr12-110246148-G-A.
Other names: c.512C>T, p.Pro171Leu (NM_001177428.2, NM_001177433.2, NM_147204.3); c.410C>T, p.Pro137Leu (NM_001177431.2); short protein forms P171L, P137L.
Identifiers: ClinVar variation 1993913 (VCV001993913.4), dbSNP rs2548786238, ClinGen allele CA386657038.